The following is an entry in ClinVar:

NM_024675.4(PALB2):c.2317del (p.Thr773fs)

Gene: PALB2 (partner and localizer of BRCA2; minus strand). Cytogenetic location: 16p12.2.
Variant type: Deletion.
Coding change: c.2317del on transcript NM_024675.4 (MANE Select); coding-DNA position 2317, one base deleted (A; older notation c.2317delA).
Protein change: p.Thr773fs; shifts the reading frame from threonine 773.
Molecular consequence: frameshift variant. On other transcripts: intron variant (1).
Genome position (GRCh38, 1-based): chr16:23,629,837, T deleted on the plus strand (A on the coding strand, the reverse complement: PALB2 is on the minus strand). VCF-style (leftmost placement, unchanged base first): chr16-23629836-GT-G. GRCh37 (hg19) VCF-style: chr16-23641157-GT-G.
Other names: c.2257del, p.Thr753fs (NM_001407296.1); c.2317del, p.Thr773fs (NM_001407297.1, NM_001407298.1, NM_001407299.1 and 3 more transcripts); c.1432del, p.Thr478fs (NM_001407304.1, NM_001407305.1, NM_001407306.1 and 5 more transcripts); c.529del, p.Thr177fs (NM_001407312.1, NM_001407313.1); c.49-562del (NM_001407314.1); short protein forms T177fs, T478fs, T753fs, T773fs.
Identifiers: ClinVar variation 3377592 (VCV003377592.1).
Genomic context (GRCh38, chr16:23,629,836, plus strand): 5'-CCTGACACTTGCAGGGTGGTATGTGGTTTTGCTGGGCTGCCTGAACTGTCGAATTGTTTA[GT>G]ATCACTGGCAAGACAGACTGAGTCTTTCAAATGAGCAAGTTGGGGTGTGCAGCAAGTTCG-3'

ClinVar aggregate classification (germline): Likely pathogenic (1 of 4 stars; one submission).

Conditions:
Familial cancer of breast. Also called: hereditary breast carcinoma; Hereditary breast cancer; BREAST CANCER, FAMILIAL. Identifiers: Orphanet 227535, MedGen C0346153, MONDO:0016419, OMIM 114480. Disease mechanism: loss of function.

Submission:

Neuberg Centre For Genomic Medicine, NCGM
Classification: Likely pathogenic for Familial cancer of breast. Last evaluated: 2023-06-22. Review status: criteria provided, single submitter. Criteria: ACMG Guidelines, 2015. Collection method: clinical testing. Allele origin: germline. Inheritance: Autosomal dominant inheritance. Affected: yes.
Comment: The observed frameshift variant c.2317del(p.Thr773LeufsTer78) in the PALB2 gene has not been reported previously as a pathogenic variant nor as a benign variant, to our knowledge. This variant is absent in the gnomAD Exomes. This variant causes a frameshift starting with codon Threonine 773, changes this amino acid to Leucine residue, and creates a premature Stop codon at position 78 of the new reading frame, denoted p.Thr773LeufsTer78. This variant is predicted to cause loss of normal protein function through protein truncation. Loss of function variants have been previously reported to be disease causing (Teo ZL, et al., 2013). For these reasons, this variant has been classified as Likely Pathogenic.